The following is an entry in ClinVar:

NM_000075.4(CDK4):c.267A>G (p.Val89=)

Gene: CDK4 (cyclin dependent kinase 4; minus strand). Cytogenetic location: 12q14.1.
Variant type: single nucleotide variant.
Coding change: c.267A>G on transcript NM_000075.4 (MANE Select); coding-DNA position 267, A replaced by G.
Protein change: p.Val89=; no amino-acid change (valine 89 retained).
Molecular consequence: synonymous variant.
Genome position (GRCh38, 1-based): chr12:57,751,294, T>C on the plus strand (A>G on the coding strand, the complement: CDK4 is on the minus strand). VCF-style: chr12-57751294-T-C. GRCh37 (hg19) VCF-style: chr12-58145077-T-C.
Identifiers: ClinVar variation 309980 (VCV000309980.18), dbSNP rs886049715, ClinGen allele CA10633363.
Genomic context (GRCh38, chr12:57,751,294, plus strand): 5'-TGGGGGTGCCTTGTCCAGATATGTCCTTAGGTCCTGGTCTACATGCTCAAACACCAGGGT[T>C]ACCTTGATCTCCCGGTCAGTTCGGGATGTGGCACAGACGTCCATCAGCCTGACCAGAGTA-3'
Protein context (NP_000066.1, residues 79-99): ATSRTDREIK[Val89=]TLVFEHVDQD

ClinVar aggregate classification (germline): Conflicting classifications of pathogenicity. Review status: criteria provided, conflicting classifications (1 of 4 stars). 4 submissions from 4 submitters: Uncertain significance (1); Benign (1); Likely benign (2). Last evaluated 2025-07-27.

Conditions:
Hereditary cancer-predisposing syndrome. Also called: Neoplastic Syndromes, Hereditary; Tumor predisposition; Hereditary Cancer Syndrome; Hereditary neoplastic syndrome. Identifiers: Orphanet 140162, MedGen C0027672, MeSH D009386, MONDO:0015356.
Melanoma, cutaneous malignant, susceptibility to, 3. Also called: Cutaneous malignant melanoma 3. Identifiers: Orphanet 618, MedGen C1836892, MONDO:0012183, OMIM 609048.
Familial melanoma. Also called: Hereditary melanoma; Hereditary cutaneous melanoma. Identifiers: Orphanet 618, MedGen C1512419, MONDO:0018961.

Allele frequency attached by ClinVar (database versions not stated): gnomAD exomes below 0.00001.

Submissions (4):

Labcorp Genetics (formerly Invitae), Labcorp
Classification: Likely benign for Familial melanoma. Last evaluated: 2025-07-27. Review status: criteria provided, single submitter. Criteria: Invitae Variant Classification Sherloc (09022015). Collection method: clinical testing. Allele origin: germline.

Myriad Genetics, Inc.
Classification: Benign for Melanoma, cutaneous malignant, susceptibility to, 3. Last evaluated: 2024-09-25. Review status: criteria provided, single submitter. Criteria: Myriad Autosomal Dominant, Autosomal Recessive and X-Linked Classification Criteria (2023). Collection method: clinical testing. Allele origin: unknown.
Comment: This variant is considered benign. This variant is a silent/synonymous amino acid change and it is not expected to impact splicing.

Ambry Genetics
Classification: Likely benign for Hereditary cancer-predisposing syndrome. Last evaluated: 2020-01-17. Review status: criteria provided, single submitter. Criteria: Ambry Variant Classification Scheme 2023. Collection method: clinical testing. Allele origin: germline.

Illumina Laboratory Services, Illumina
Classification: Uncertain significance for Melanoma, cutaneous malignant, susceptibility to, 3. Last evaluated: 2018-01-13. Review status: criteria provided, single submitter. Criteria: ICSL Variant Classification Criteria 13 December 2019. Collection method: clinical testing. Allele origin: germline.